The following is an entry in ClinVar:

ClinVar aggregate classification (germline): Uncertain significance. Review status: criteria provided, multiple submitters, no conflicts (2 of 4 stars). 3 submissions from 3 submitters: Uncertain significance (3). Last evaluated 2025-07-02.

Conditions:
Tuberous sclerosis syndrome (TSC). Also called: Tuberous Sclerosis Complex; Tuberous sclerosis. Identifiers: Orphanet 805, MedGen C0041341, MONDO:0001734.
Hereditary cancer-predisposing syndrome. Also called: Hereditary neoplastic syndrome; Tumor predisposition; Neoplastic Syndromes, Hereditary; Hereditary Cancer Syndrome. Identifiers: Orphanet 140162, MedGen C0027672, MeSH D009386, MONDO:0015356.
Tuberous sclerosis 2 (TSC2). Identifiers: Orphanet 805, MedGen C1860707, MONDO:0013199, OMIM 613254.

Allele frequency attached by ClinVar (database versions not stated): TOPMed below 0.00001; gnomAD exomes 0.00001.
gnomAD v4.1: 7 of 1,594,868 alleles (0.00044%); highest among the groups gnomAD compares: Non-Finnish European, 0.0006%; no homozygotes.

Submissions (3):

Color Diagnostics, LLC DBA Color Health
Classification: Uncertain significance for Tuberous sclerosis syndrome. Last evaluated: 2025-07-02. Review status: criteria provided, single submitter. Criteria: ACMG Guidelines, 2015. Collection method: clinical testing. Allele origin: germline.
Comment: This missense variant replaces leucine with arginine at codon 1659 of the TSC2 protein. Computational prediction suggests that this variant may have deleterious impact on protein structure and function. To our knowledge, functional studies have not been reported for this variant. This variant has not been reported in individuals affected with TSC2-related disorders in the literature. This variant has not been identified in the general population by the Genome Aggregation Database (gnomAD). The available evidence is insufficient to determine the role of this variant in disease conclusively. Therefore, this variant is classified as a Variant of Uncertain Significance.

Labcorp Genetics (formerly Invitae), Labcorp
Classification: Uncertain significance for Tuberous sclerosis 2. Last evaluated: 2025-06-10. Review status: criteria provided, single submitter. Criteria: Invitae Variant Classification Sherloc (09022015). Collection method: clinical testing. Allele origin: germline.
Comment: This sequence change replaces leucine, which is neutral and non-polar, with arginine, which is basic and polar, at codon 1659 of the TSC2 protein (p.Leu1659Arg). This variant is not present in population databases (gnomAD no frequency). This variant has not been reported in the literature in individuals affected with TSC2-related conditions. ClinVar contains an entry for this variant (Variation ID: 1472736). Invitae Evidence Modeling of protein sequence and biophysical properties (such as structural, functional, and spatial information, amino acid conservation, physicochemical variation, residue mobility, and thermodynamic stability) indicates that this missense variant is not expected to disrupt TSC2 protein function with a negative predictive value of 95%. In summary, the available evidence is currently insufficient to determine the role of this variant in disease. Therefore, it has been classified as a Variant of Uncertain Significance.

Ambry Genetics
Classification: Uncertain significance for Hereditary cancer-predisposing syndrome. Last evaluated: 2024-11-08. Review status: criteria provided, single submitter. Criteria: Ambry Variant Classification Scheme 2023. Collection method: clinical testing. Allele origin: germline.
Comment: The p.L1659R variant (also known as c.4976T>G), located in coding exon 37 of the TSC2 gene, results from a T to G substitution at nucleotide position 4976. The leucine at codon 1659 is replaced by arginine, an amino acid with dissimilar properties. This amino acid position is highly conserved in available vertebrate species. In addition, this alteration is predicted to be deleterious by in silico analysis. Based on the available evidence, the clinical significance of this variant remains unclear.

NM_000548.5(TSC2):c.4976T>G (p.Leu1659Arg)

Gene: TSC2 (TSC complex subunit 2; plus strand). Cytogenetic location: 16p13.3.
Variant type: single nucleotide variant.
Coding change: c.4976T>G on transcript NM_000548.5 (MANE Select); coding-DNA position 4976, T replaced by G.
Protein change: p.Leu1659Arg; replaces leucine 1659 with arginine.
Molecular consequence: missense variant.
Genome position (GRCh38, 1-based): chr16:2,086,858, T>G. VCF-style: chr16-2086858-T-G. GRCh37 (hg19) VCF-style: chr16-2136859-T-G.
Other names: c.4775T>G, p.Leu1592Arg (NM_001077183.3); c.4907T>G, p.Leu1636Arg (NM_001114382.3); c.4667T>G, p.Leu1556Arg (NM_001318827.2); c.4631T>G, p.Leu1544Arg (NM_001318829.2); c.4244T>G, p.Leu1415Arg (NM_001318831.2); c.4808T>G, p.Leu1603Arg (NM_001318832.2); c.4778T>G, p.Leu1593Arg (NM_001363528.2); c.4844T>G, p.Leu1615Arg (NM_001370404.1); and 1 more; short protein forms L1556R, L1592R, L1615R, L1659R, L1415R, L1544R, L1616R, L1593R.
Identifiers: ClinVar variation 1472736 (VCV001472736.9), dbSNP rs2090868646, ClinGen allele CA394309151.